The following is an entry in ClinVar:

NM_020774.4(MIB1):c.1848A>G (p.Leu616=)

Gene: MIB1 (MIB E3 ubiquitin protein ligase 1; plus strand). Cytogenetic location: 18q11.2.
Variant type: single nucleotide variant.
Coding change: c.1848A>G on transcript NM_020774.4 (MANE Select); coding-DNA position 1848, A replaced by G.
Protein change: p.Leu616=; no amino-acid change (leucine 616 retained).
Molecular consequence: synonymous variant.
Genome position (GRCh38, 1-based): chr18:21,838,383, A>G. VCF-style: chr18-21838383-A-G. GRCh37 (hg19) VCF-style: chr18-19418344-A-G.
Identifiers: ClinVar variation 514973 (VCV000514973.3), dbSNP rs745924072, ClinGen allele CA8908443.

ClinVar aggregate classification (germline): Likely benign. Review status: criteria provided, multiple submitters, no conflicts (2 of 4 stars). 2 submissions from 2 submitters: Likely benign (2). Last evaluated 2020-03-16.

Conditions:
Inborn genetic diseases. Identifiers: MedGen C0950123, MeSH D030342.

Allele frequency attached by ClinVar (database versions not stated): TOPMed 0.00001; gnomAD exomes 0.00005 and 0.00001; ExAC 0.00001; gnomAD 0.00001.
gnomAD v4.1: 80 of 1,599,664 alleles (0.005%); highest among the groups gnomAD compares: Non-Finnish European, 0.006%; no homozygotes.

Submissions (2):

Ambry Genetics
Classification: Likely benign for Inborn genetic diseases. Last evaluated: 2020-03-16. Review status: criteria provided, single submitter. Criteria: Ambry Variant Classification Scheme 2023. Collection method: clinical testing. Allele origin: germline.

GeneDx
Classification: Likely benign. Last evaluated: 2018-01-22. Review status: criteria provided, single submitter. Criteria: GeneDx Variant Classification (06012015). Collection method: clinical testing. Allele origin: germline. Affected: yes.
Comment: This variant is considered likely benign or benign based on one or more of the following criteria: it is a conservative change, it occurs at a poorly conserved position in the protein, it is predicted to be benign by multiple in silico algorithms, and/or has population frequency not consistent with disease.